The following is an entry in ClinVar:

NM_001177316.2(SLC34A3):c.5C>T (p.Pro2Leu)

Gene: SLC34A3 (solute carrier family 34 member 3; plus strand). Cytogenetic location: 9q34.3.
Variant type: single nucleotide variant.
Coding change: c.5C>T on transcript NM_001177316.2 (MANE Select); coding-DNA position 5, C replaced by T.
Protein change: p.Pro2Leu; replaces proline 2 with leucine.
Molecular consequence: missense variant.
Genome position (GRCh38, 1-based): chr9:137,231,707, C>T. VCF-style: chr9-137231707-C-T. GRCh37 (hg19) VCF-style: chr9-140126159-C-T.
Other names: c.5C>T, p.Pro2Leu (NM_001177317.2, NM_080877.3); short protein forms P2L.
Identifiers: ClinVar variation 2192103 (VCV002192103.1), dbSNP rs566626846, ClinGen allele CA5364162.

ClinVar aggregate classification (germline): Uncertain significance (1 of 4 stars; one submission).

Allele frequency attached by ClinVar (database versions not stated): TOPMed 0.00002; 1000 Genomes Project 30x 0.00031; 1000 Genomes Project 0.00040.
gnomAD v4.1: 51 of 1,612,956 alleles (0.0032%); highest among the groups gnomAD compares: South Asian, 0.037%; no homozygotes.

Submission:

Labcorp Genetics (formerly Invitae), Labcorp
Classification: Uncertain significance. Last evaluated: 2022-07-06. Review status: criteria provided, single submitter. Criteria: Invitae Variant Classification Sherloc (09022015). Collection method: clinical testing. Allele origin: germline.
Comment: This sequence change replaces proline, which is neutral and non-polar, with leucine, which is neutral and non-polar, at codon 2 of the SLC34A3 protein (p.Pro2Leu). This variant is present in population databases (rs566626846, gnomAD 0.04%). This variant has not been reported in the literature in individuals affected with SLC34A3-related conditions. Algorithms developed to predict the effect of missense changes on protein structure and function are either unavailable or do not agree on the potential impact of this missense change (SIFT: "Deleterious"; PolyPhen-2: "Probably Damaging"; Align-GVGD: "Class C0"). In summary, the available evidence is currently insufficient to determine the role of this variant in disease. Therefore, it has been classified as a Variant of Uncertain Significance.